The following is an entry in ClinVar:

NM_032119.4(ADGRV1):c.5312_5313+1del

Gene: ADGRV1 (adhesion G protein-coupled receptor V1; plus strand). Cytogenetic location: 5q14.3.
Variant type: Deletion.
Coding change: c.5312_5313+1del on transcript NM_032119.4 (MANE Select); coding-DNA position 5312 through the canonical splice donor site of the intron after coding-DNA position 5313, 3 bases deleted (AGG; older notation c.5312_5313+1delAGG).
Molecular consequence: splice donor variant.
Genome position (GRCh38, 1-based): chr5:90,675,444-90,675,446, AGG deleted. VCF-style (leftmost placement, unchanged base first): chr5-90675443-CAGG-C. GRCh37 (hg19) VCF-style: chr5-89971260-CAGG-C.
Identifiers: ClinVar variation 3678149 (VCV003678149.2).

ClinVar aggregate classification (germline): Likely pathogenic (1 of 4 stars; one submission).

Submission:

Labcorp Genetics (formerly Invitae), Labcorp
Classification: Likely pathogenic. Last evaluated: 2024-12-18. Review status: criteria provided, single submitter. Criteria: Invitae Variant Classification Sherloc (09022015). Collection method: clinical testing. Allele origin: germline.
Comment: This variant results in the deletion of part of exon 24 (c.5312_5313+1del) of the ADGRV1 gene. It is expected to disrupt RNA splicing. Variants that disrupt the donor or acceptor splice site typically lead to a loss of protein function (PMID: 16199547), and loss-of-function variants in ADGRV1 are known to be pathogenic (PMID: 19357117, 22135276, 22147658, 26226137, 30718709, 31047384, 32467589). This variant is not present in population databases (gnomAD no frequency). This variant has not been reported in the literature in individuals affected with ADGRV1-related conditions. In summary, the currently available evidence indicates that the variant is pathogenic, but additional data are needed to prove that conclusively. Therefore, this variant has been classified as Likely Pathogenic.

Literature cited by the submitters: PubMed 16199547; PubMed 19357117; PubMed 22135276; PubMed 22147658; PubMed 26226137; PubMed 30718709; PubMed 31047384; PubMed 32467589.